The following is an entry in ClinVar:

NM_004588.5(SCN2B):c.490G>T (p.Ala164Ser)

Gene: SCN2B (sodium voltage-gated channel beta subunit 2; minus strand). Cytogenetic location: 11q23.3.
Variant type: single nucleotide variant.
Coding change: c.490G>T on transcript NM_004588.5 (MANE Select); coding-DNA position 490, G replaced by T.
Protein change: p.Ala164Ser; replaces alanine 164 with serine.
Molecular consequence: missense variant.
Genome position (GRCh38, 1-based): chr11:118,167,045, C>A on the plus strand (G>T on the coding strand, the complement: SCN2B is on the minus strand). VCF-style: chr11-118167045-C-A. GRCh37 (hg19) VCF-style: chr11-118037760-C-A.
Other names: short protein forms A164S.
Identifiers: ClinVar variation 3793189 (VCV003793189.2).

ClinVar aggregate classification (germline): Uncertain significance (1 of 4 stars; one submission).

Conditions:
Cardiovascular phenotype. Identifiers: MedGen CN230736.

gnomAD v4.1: 1 of 1,613,418 alleles (0.000062%); highest among the groups gnomAD compares: Non-Finnish European, 0.000085%; no homozygotes.

Submission:

Ambry Genetics
Classification: Uncertain significance for Cardiovascular phenotype. Last evaluated: 2026-09-04. Review status: criteria provided, single submitter. Criteria: Ambry Variant Classification Scheme 2023. Collection method: clinical testing. Allele origin: germline.
Comment: The p.A164S variant (also known as c.490G>T), located in coding exon 4 of the SCN2B gene, results from a G to T substitution at nucleotide position 490. The alanine at codon 164 is replaced by serine, an amino acid with similar properties. This amino acid position is conserved. In addition, the in silico prediction for this alteration is inconclusive. Based on the available evidence, the clinical significance of this variant remains unclear.